The following is an entry in ClinVar:

NM_000540.3(RYR1):c.1955C>T (p.Ala652Val)

Gene: RYR1 (ryanodine receptor 1; plus strand). Cytogenetic location: 19q13.2.
Variant type: single nucleotide variant.
Coding change: c.1955C>T on transcript NM_000540.3 (MANE Select); coding-DNA position 1955, C replaced by T.
Protein change: p.Ala652Val; replaces alanine 652 with valine.
Molecular consequence: missense variant.
Genome position (GRCh38, 1-based): chr19:38,458,080, C>T. VCF-style: chr19-38458080-C-T. GRCh37 (hg19) VCF-style: chr19-38948720-C-T.
Other names: c.1955C>T, p.Ala652Val (NM_001042723.2); short protein forms A652V.
Identifiers: ClinVar variation 848919 (VCV000848919.14), dbSNP rs757908433, ClinGen allele CA062715.

ClinVar aggregate classification (germline): Uncertain significance. Review status: criteria provided, multiple submitters, no conflicts (2 of 4 stars). 5 submissions from 5 submitters: Uncertain significance (5). Last evaluated 2025-09-17.

Conditions:
Malignant hyperthermia, susceptibility to, 1 (MHS1). Also called: Anesthesia related hyperthermia; Malignant hyperpyrexia; Fulminating hyperpyrexia; Pharmacogenic myopathy; RYR1-Related Malignant Hyperthermia Susceptibility; Malignant hyperthermia suceptibility 1. Identifiers: Orphanet 423, MedGen C2930980, MONDO:0007783, OMIM 145600.
Congenital myopathy with fiber type disproportion. Also called: Congenital fiber-type disproportion; Congenital fiber-type disproportion myopathy. Identifiers: Orphanet 2020, MedGen C0546264, MONDO:0009711. Inheritance: all.
Central core myopathy (CMYO1A). Also called: CONGENITAL MYOPATHY 1A, AUTOSOMAL DOMINANT, WITH SUSCEPTIBILITY TO MALIGNANT HYPERTHERMIA; Central core disease; Myopathy, central fibrillar. Identifiers: Orphanet 597, MedGen C5830701, MONDO:0007294, OMIM 117000.
Congenital multicore myopathy with external ophthalmoplegia (CMYO1B). Also called: MULTICORE MYOPATHY; MULTIMINICORE DISEASE WITH EXTERNAL OPHTHALMOPLEGIA; Congenital myopathy 1B, autosomal recessive; Minicore myopathy; Minicore myopathy with external ophthalmoplegia. Identifiers: Orphanet 598, Orphanet 98905, MedGen C1850674, MONDO:0009712, OMIM 255320, HP:0003789.
King Denborough syndrome (KDS). Identifiers: MedGen C1840365, MONDO:0020485, OMIM 619542.
RYR1-related disorder. Also called: RYR1-related disorders; RYR1-related condition. Identifiers: MedGen CN239331.

Allele frequency attached by ClinVar (database versions not stated): ExAC 0.00003; gnomAD 0.00003 and 0.00004; gnomAD exomes 0.00003; TOPMed 0.00005.
gnomAD v4.1: 58 of 1,613,652 alleles (0.0036%); highest among the groups gnomAD compares: East Asian, 0.0067%; no homozygotes.

Submissions (5):

Labcorp Genetics (formerly Invitae), Labcorp
Classification: Uncertain significance for RYR1-related disorder. Last evaluated: 2025-09-17. Review status: criteria provided, single submitter. Criteria: Invitae Variant Classification Sherloc (09022015). Collection method: clinical testing. Allele origin: germline.
Comment: This sequence change replaces alanine, which is neutral and non-polar, with valine, which is neutral and non-polar, at codon 652 of the RYR1 protein (p.Ala652Val). This variant is present in population databases (rs757908433, gnomAD 0.01%). This variant has not been reported in the literature in individuals affected with RYR1-related conditions. ClinVar contains an entry for this variant (Variation ID: 848919). Invitae Evidence Modeling of protein sequence and biophysical properties (such as structural, functional, and spatial information, amino acid conservation, physicochemical variation, residue mobility, and thermodynamic stability) indicates that this missense variant is not expected to disrupt RYR1 protein function with a negative predictive value of 95%. In summary, the available evidence is currently insufficient to determine the role of this variant in disease. Therefore, it has been classified as a Variant of Uncertain Significance.

Revvity Omics, Revvity
Classification: Uncertain significance. Last evaluated: 2025-07-24. Review status: criteria provided, single submitter. Criteria: ACMG Guidelines, 2015. Collection method: clinical testing. Allele origin: germline.

Color Diagnostics, LLC DBA Color Health
Classification: Uncertain significance for Malignant hyperthermia, susceptibility to, 1. Last evaluated: 2025-07-07. Review status: criteria provided, single submitter. Criteria: ACMG Guidelines, 2015. Collection method: clinical testing. Allele origin: germline.
Comment: This missense variant replaces alanine with valine at codon 652 of the RYR1 protein. Computational prediction suggests that this variant may not impact protein structure and function. To our knowledge, functional studies have not been reported for this variant. This variant has not been reported in individuals affected with RYR1-related disorders in the literature. This variant has been identified in 9/282264 chromosomes in the general population by the Genome Aggregation Database (gnomAD). The available evidence is insufficient to determine the role of this variant in disease conclusively. Therefore, this variant is classified as a Variant of Uncertain Significance.

PreventionGenetics, part of Exact Sciences
Classification: Uncertain significance for RYR1-related condition. Last evaluated: 2023-09-18. Review status: criteria provided, single submitter. Criteria: ACMG Guidelines, 2015. Collection method: clinical testing. Allele origin: germline.
Comment: The RYR1 c.1955C>T variant is predicted to result in the amino acid substitution p.Ala652Val. To our knowledge, this variant has not been reported in the literature. This variant is reported in 0.0096% of alleles in individuals of Ashkenazi Jewish descent in gnomAD. At this time, the clinical significance of this variant is uncertain due to the absence of conclusive functional and genetic evidence.

Fulgent Genetics
Classification: Uncertain significance for Central core myopathy; Malignant hyperthermia, susceptibility to, 1; Congenital myopathy 4A, autosomal dominant; Congenital multicore myopathy with external ophthalmoplegia; King Denborough syndrome. Last evaluated: 2021-07-16. Review status: criteria provided, single submitter. Criteria: ACMG Guidelines, 2015. Collection method: clinical testing. Allele origin: unknown.